The following is an entry in ClinVar:

ClinVar aggregate classification (germline): Uncertain significance. Review status: criteria provided, multiple submitters, no conflicts (2 of 4 stars). 2 submissions from 2 submitters: Uncertain significance (2). Last evaluated 2024-05-08.

Conditions:
Glycogen storage disease, type V (GSD5). Also called: PYGM DEFICIENCY; McArdle type glycogen storage disease; MCARDLE DISEASE; MUSCLE GLYCOGEN PHOSPHORYLASE DEFICIENCY; MYOPHOSPHORYLASE DEFICIENCY. Identifiers: Orphanet 368, MedGen C0017924, MONDO:0009293, OMIM 232600.

Submissions (2):

Fulgent Genetics
Classification: Uncertain significance for Glycogen storage disease, type V. Last evaluated: 2024-05-08. Review status: criteria provided, single submitter. Criteria: ACMG Guidelines, 2015. Collection method: clinical testing. Allele origin: germline.

Labcorp Genetics (formerly Invitae), Labcorp
Classification: Uncertain significance for Glycogen storage disease, type V. Last evaluated: 2022-06-13. Review status: criteria provided, single submitter. Criteria: Invitae Variant Classification Sherloc (09022015). Collection method: clinical testing. Allele origin: germline.
Comment: This sequence change replaces proline, which is neutral and non-polar, with alanine, which is neutral and non-polar, at codon 838 of the PYGM protein (p.Pro838Ala). This variant is not present in population databases (gnomAD no frequency). This variant has not been reported in the literature in individuals affected with PYGM-related conditions. Algorithms developed to predict the effect of missense changes on protein structure and function are either unavailable or do not agree on the potential impact of this missense change (SIFT: "Not Available"; PolyPhen-2: "Probably Damaging"; Align-GVGD: "Not Available"). In summary, the available evidence is currently insufficient to determine the role of this variant in disease. Therefore, it has been classified as a Variant of Uncertain Significance.

NM_005609.4(PYGM):c.2512C>G (p.Pro838Ala)

Gene: PYGM (glycogen phosphorylase, muscle associated; minus strand). Cytogenetic location: 11q13.1.
Variant type: single nucleotide variant.
Coding change: c.2512C>G on transcript NM_005609.4 (MANE Select); coding-DNA position 2512, C replaced by G.
Protein change: p.Pro838Ala; replaces proline 838 with alanine.
Molecular consequence: missense variant.
Genome position (GRCh38, 1-based): chr11:64,746,676, G>C on the plus strand (C>G on the coding strand, the complement: PYGM is on the minus strand). VCF-style: chr11-64746676-G-C. GRCh37 (hg19) VCF-style: chr11-64514148-G-C.
Other names: c.2248C>G, p.Pro750Ala (NM_001164716.1); short protein forms P750A, P838A.
Identifiers: ClinVar variation 2416039 (VCV002416039.4), dbSNP rs775376390, ClinGen allele CA381162525.
Genomic context (GRCh38, chr11:64,746,676, plus strand): 5'-GTGTGACAGACTCAAGGGCTGGTTTGGGGTCTGGTCTGGAGGCTCAGATGGCCTCATCCG[G>C]GGCTGGCAGGCGCTGGCGGGAAGGCTCCACACCCCAGATCTCCCGGGCATACTGGGCAAT-3'
Protein context (NP_005600.1, residues 828-842): VEPSRQRLPA[Pro838Ala]DEAI